The following is an entry in ClinVar:

NM_004006.3(DMD):c.187-1G>T

Gene: DMD (dystrophin; minus strand). Cytogenetic location: Xp21.1.
Variant type: single nucleotide variant.
Coding change: c.187-1G>T on transcript NM_004006.3 (MANE Select); the canonical splice acceptor site of the intron before coding-DNA position 187, G replaced by T.
Molecular consequence: splice acceptor variant.
Genome position (GRCh38, 1-based): chrX:32,844,861, C>A on the plus strand (G>T on the coding strand, the complement: DMD is on the minus strand). VCF-style: chrX-32844861-C-A. GRCh37 (hg19) VCF-style: chrX-32862978-C-A.
Other names: c.163-1G>T (NM_000109.4); c.175-1G>T (NM_004009.3); c.-183-1G>T (NM_004010.3).
Identifiers: ClinVar variation 649535 (VCV000649535.9), dbSNP rs1603447081, ClinGen allele CA412674799.

ClinVar aggregate classification (germline): Pathogenic (1 of 4 stars; one submission).

Conditions:
Duchenne muscular dystrophy (DMD). Also called: MUSCULAR DYSTROPHY, PSEUDOHYPERTROPHIC PROGRESSIVE, DUCHENNE TYPE; Duchenne Muscular Dystrophy (DMD). Identifiers: Orphanet 98896, MedGen C0013264, MONDO:0010679, OMIM 310200.

Submission:

Labcorp Genetics (formerly Invitae), Labcorp
Classification: Pathogenic for Duchenne muscular dystrophy. Last evaluated: 2018-08-29. Review status: criteria provided, single submitter. Criteria: Invitae Variant Classification Sherloc (09022015). Collection method: clinical testing. Allele origin: germline.
Comment: For these reasons, this variant has been classified as Pathogenic. Donor and acceptor splice site variants typically lead to a loss of protein function (PMID: 16199547), and loss-of-function variants in DMD are known to be pathogenic (PMID: 16770791, 25007885). Disruption of this splice site has been observed in an individual affected with Becker muscular dystrophy (PMID: 17041906). This variant is not present in population databases (ExAC no frequency). This sequence change affects an acceptor splice site in intron 3 of the DMD gene. It is expected to disrupt RNA splicing and likely results in an absent or disrupted protein product.

Literature cited by the submitters: PubMed 16199547; PubMed 16770791; PubMed 25007885; PubMed 17041906.